The following is an entry in ClinVar:

ClinVar aggregate classification (germline): Uncertain significance (1 of 4 stars; one submission).

Submission:

CeGaT Center for Human Genetics Tuebingen
Classification: Uncertain significance. Last evaluated: 2022-10-01. Review status: criteria provided, single submitter. Criteria: CeGaT Center For Human Genetics Tuebingen Variant Classification Criteria Version 2. Collection method: clinical testing. Allele origin: germline. Affected: yes. Observed: 1 variant allele.
Comment: TTN: PM2, BP4

NM_001267550.2(TTN):c.96522G>C (p.Met32174Ile)

Genes: TTN (titin; minus strand), TTN-AS1 (TTN antisense RNA 1; plus strand), LOC126806421 (CDK7 strongly-dependent group 2 enhancer GRCh37_chr2:179407630-179408829; plus strand). Cytogenetic location: 2q31.2.
Variant type: single nucleotide variant.
Coding change: c.96522G>C on transcript NM_001267550.2 (MANE Select); coding-DNA position 96522, G replaced by C.
Protein change: p.Met32174Ile; replaces methionine 32174 with isoleucine.
Molecular consequence: missense variant.
Genome position (GRCh38, 1-based): chr2:178,543,451, C>G on the plus strand (G>C on the coding strand, the complement: TTN is on the minus strand). VCF-style: chr2-178543451-C-G. GRCh37 (hg19) VCF-style: chr2-179408178-C-G.
Other names: c.91599G>C, p.Met30533Ile (NM_001256850.1); c.69327G>C, p.Met23109Ile (NM_003319.4); c.88818G>C, p.Met29606Ile (NM_133378.4); c.69702G>C, p.Met23234Ile (NM_133432.3); c.69903G>C, p.Met23301Ile (NM_133437.4); short protein forms M23109I, M23234I, M23301I, M29606I, M30533I, M32174I.
Identifiers: ClinVar variation 2651588 (VCV002651588.24), dbSNP rs2468931470, ClinGen allele CA349447719.
Genomic context (GRCh38, chr2:178,543,451, plus strand): 5'-AGATGTTTCACAAGGTTCTCCAATGCCATAAATATTTTCTGGCAGCACTCTGAAATAGTA[C>G]ATGGTTCCTTCTACAAGTCCAGAAATTCTGTAAAGTGTCTTGCTGCATTTGGTAGTTACT-3'
Protein context (NP_001254479.2, residues 32164-32184): YRISGLVEGT[Met32174Ile]YYFRVLPENI